The following is an entry in ClinVar:

NM_024306.5(FA2H):c.1060T>C (p.Leu354=)

Gene: FA2H (fatty acid 2-hydroxylase; minus strand). Cytogenetic location: 16q23.1.
Variant type: single nucleotide variant.
Coding change: c.1060T>C on transcript NM_024306.5 (MANE Select); coding-DNA position 1060, T replaced by C.
Protein change: p.Leu354=; no amino-acid change (leucine 354 retained).
Molecular consequence: synonymous variant.
Genome position (GRCh38, 1-based): chr16:74,714,249, A>G on the plus strand (T>C on the coding strand, the complement: FA2H is on the minus strand). VCF-style: chr16-74714249-A-G. GRCh37 (hg19) VCF-style: chr16-74748147-A-G.
Identifiers: ClinVar variation 773950 (VCV000773950.34), dbSNP rs372391824, ClinGen allele CA8170310.

ClinVar aggregate classification (germline): Likely benign. Review status: criteria provided, multiple submitters, no conflicts (2 of 4 stars). 2 submissions from 2 submitters: Likely benign (2). Last evaluated 2025-07-04.

Conditions:
Spastic paraplegia. Identifiers: MedGen C0037772, HP:0001258.

Allele frequency attached by ClinVar (database versions not stated): gnomAD 0.00001; gnomAD exomes 0.00001 and 0.00003; TOPMed 0.00002; ExAC 0.00004; ESP Exome Variant Server 0.00008.
gnomAD v4.1: 15 of 1,562,384 alleles (0.00096%); highest among the groups gnomAD compares: Admixed American, 0.0019%; no homozygotes.

Submissions (2):

Labcorp Genetics (formerly Invitae), Labcorp
Classification: Likely benign for Spastic paraplegia. Last evaluated: 2025-07-04. Review status: criteria provided, single submitter. Criteria: Invitae Variant Classification Sherloc (09022015). Collection method: clinical testing. Allele origin: germline.

CeGaT Center for Human Genetics Tuebingen
Classification: Likely benign. Last evaluated: 2022-05-01. Review status: criteria provided, single submitter. Criteria: CeGaT Center For Human Genetics Tuebingen Variant Classification Criteria Version 2. Collection method: clinical testing. Allele origin: germline. Affected: yes. Observed: 1 variant allele.
Comment: FA2H: BP4, BP7